The following is an entry in ClinVar:

NM_012330.4(KAT6B):c.4648C>G (p.Gln1550Glu)

Gene: KAT6B (lysine acetyltransferase 6B; plus strand). Cytogenetic location: 10q22.2.
Variant type: single nucleotide variant.
Coding change: c.4648C>G on transcript NM_012330.4 (MANE Select); coding-DNA position 4648, C replaced by G.
Protein change: p.Gln1550Glu; replaces glutamine 1550 with glutamic acid.
Molecular consequence: missense variant.
Genome position (GRCh38, 1-based): chr10:75,029,472, C>G. VCF-style: chr10-75029472-C-G. GRCh37 (hg19) VCF-style: chr10-76789230-C-G.
Other names: c.4099C>G, p.Gln1367Glu (NM_001256468.2, NM_001370138.1); c.3772C>G, p.Gln1258Glu (NM_001256469.2, NM_001370139.1, NM_001370140.1 and 2 more transcripts); c.3610C>G, p.Gln1204Glu (NM_001370132.1); c.2959C>G, p.Gln987Glu (NM_001370133.1); c.2563C>G, p.Gln855Glu (NM_001370134.1); c.2305C>G, p.Gln769Glu (NM_001370135.1); c.4648C>G, p.Gln1550Glu (NM_001370136.1, NM_001370137.1); c.3583C>G, p.Gln1195Glu (NM_001370143.1, NM_001370144.1); short protein forms Q1204E, Q855E, Q1195E, Q1258E, Q1367E, Q1550E, Q769E, Q987E.
Identifiers: ClinVar variation 2734856 (VCV002734856.3), dbSNP rs2549204459, ClinGen allele CA377298290.

ClinVar aggregate classification (germline): Uncertain significance (1 of 4 stars; one submission).

Conditions:
Genitopatellar syndrome (GTPTS). Also called: ABSENT PATELLAE, SCROTAL HYPOPLASIA, RENAL ANOMALIES, FACIAL DYSMORPHISM, AND MENTAL RETARDATION; Genitopatellar syndrome (GPS). Identifiers: Orphanet 85201, MedGen C1853566, MONDO:0011640, OMIM 606170.

Submission:

Labcorp Genetics (formerly Invitae), Labcorp
Classification: Uncertain significance for Genitopatellar syndrome. Last evaluated: 2023-07-03. Review status: criteria provided, single submitter. Criteria: Invitae Variant Classification Sherloc (09022015). Collection method: clinical testing. Allele origin: germline.
Comment: Advanced modeling of protein sequence and biophysical properties (such as structural, functional, and spatial information, amino acid conservation, physicochemical variation, residue mobility, and thermodynamic stability) performed at Invitae indicates that this missense variant is not expected to disrupt KAT6B protein function. This sequence change replaces glutamine, which is neutral and polar, with glutamic acid, which is acidic and polar, at codon 1550 of the KAT6B protein (p.Gln1550Glu). This variant is not present in population databases (gnomAD no frequency). This variant has not been reported in the literature in individuals affected with KAT6B-related conditions. In summary, the available evidence is currently insufficient to determine the role of this variant in disease. Therefore, it has been classified as a Variant of Uncertain Significance.